The following is an entry in ClinVar:

NM_005996.4(TBX3):c.1052G>T (p.Ser351Ile)

Gene: TBX3 (T-box transcription factor 3; minus strand). Cytogenetic location: 12q24.21.
Variant type: single nucleotide variant.
Coding change: c.1052G>T on transcript NM_005996.4 (MANE Select); coding-DNA position 1052, G replaced by T.
Protein change: p.Ser351Ile; replaces serine 351 with isoleucine.
Molecular consequence: missense variant.
Genome position (GRCh38, 1-based): chr12:114,674,823, C>A on the plus strand (G>T on the coding strand, the complement: TBX3 is on the minus strand). VCF-style: chr12-114674823-C-A. GRCh37 (hg19) VCF-style: chr12-115112628-C-A.
Other names: c.1112G>T, p.Ser371Ile (NM_016569.4); c.1112G>T (NM_016569.3); short protein forms S351I, S371I.
Identifiers: ClinVar variation 2193369 (VCV002193369.6), dbSNP rs772722825, ClinGen allele CA6810010.

ClinVar aggregate classification (germline): Uncertain significance. Review status: criteria provided, single submitter (1 of 4 stars). 2 submissions from 2 submitters: Uncertain significance (1). 1 of the submissions does not count toward it. Last evaluated 2024-02-24.

Conditions:
Ulnar-mammary syndrome (UMS). Also called: PALLISTER ULNAR-MAMMARY SYNDROME; Ulnar-mammary syndrome of Pallister; SCHINZEL SYNDROME. Identifiers: Orphanet 3138, MedGen C1866994, MONDO:0008411, OMIM 181450.
TBX3-related disorder. Also called: TBX3-related condition.

Allele frequency attached by ClinVar (database versions not stated): TOPMed 0.00003; gnomAD 0.00004.
gnomAD v4.1: 57 of 1,572,354 alleles (0.0036%); highest among the groups gnomAD compares: Non-Finnish European, 0.0048%; no homozygotes.

Submissions (2):

Labcorp Genetics (formerly Invitae), Labcorp
Classification: Uncertain significance for Ulnar-mammary syndrome. Last evaluated: 2024-02-24. Review status: criteria provided, single submitter. Criteria: Invitae Variant Classification Sherloc (09022015). Collection method: clinical testing. Allele origin: germline.
Comment: This sequence change replaces serine, which is neutral and polar, with isoleucine, which is neutral and non-polar, at codon 351 of the TBX3 protein (p.Ser351Ile). The frequency data for this variant in the population databases is considered unreliable, as metrics indicate poor data quality at this position in the gnomAD database. This variant has not been reported in the literature in individuals affected with TBX3-related conditions. ClinVar contains an entry for this variant (Variation ID: 2193369). An algorithm developed to predict the effect of missense changes on protein structure and function (PolyPhen-2) suggests that this variant is likely to be disruptive. In summary, the available evidence is currently insufficient to determine the role of this variant in disease. Therefore, it has been classified as a Variant of Uncertain Significance.

PreventionGenetics, part of Exact Sciences
Classification: Uncertain significance for TBX3-related condition. Last evaluated: 2024-04-16. Review status: no assertion criteria provided. Collection method: clinical testing. Allele origin: germline. Not counted in ClinVar's aggregate classification.
Comment: The TBX3 c.1112G>T variant is predicted to result in the amino acid substitution p.Ser371Ile. To our knowledge, this variant has not been reported in the literature. This variant is reported in 0.0050% of alleles in individuals of European (Non-Finnish) descent in gnomAD. At this time, the clinical significance of this variant is uncertain due to the absence of conclusive functional and genetic evidence.